The following is an entry in ClinVar:

ClinVar aggregate classification (germline): Uncertain significance (1 of 4 stars; one submission).

Conditions:
Malignant hyperthermia, susceptibility to, 1 (MHS1). Also called: Anesthesia related hyperthermia; Malignant hyperpyrexia; Fulminating hyperpyrexia; Pharmacogenic myopathy; Malignant hyperthermia suceptibility 1; RYR1-Related Malignant Hyperthermia Susceptibility. Identifiers: Orphanet 423, MedGen C2930980, MONDO:0007783, OMIM 145600.

Submission:

All of Us Research Program, National Institutes of Health
Classification: Uncertain significance for Malignant hyperthermia, susceptibility to, 1. Last evaluated: 2024-08-06. Review status: criteria provided, single submitter. Criteria: ACMG Guidelines, 2015. Collection method: clinical testing. Allele origin: germline. Inheritance: Autosomal dominant inheritance. Observed: 1 variant allele, 1 heterozygote.
Comment: This study involves interpretation of variants in research participants for the purpose of population health screening. Participant phenotype was not available at the time of variant classification. Additional details can be found in publication PMID: 35346344, PMCID: PMC8962531

NM_000540.3(RYR1):c.9081C>A (p.Ser3027Arg)

Gene: RYR1 (ryanodine receptor 1; plus strand). Cytogenetic location: 19q13.2.
Variant type: single nucleotide variant.
Coding change: c.9081C>A on transcript NM_000540.3 (MANE Select); coding-DNA position 9081, C replaced by A.
Protein change: p.Ser3027Arg; replaces serine 3027 with arginine.
Molecular consequence: missense variant.
Genome position (GRCh38, 1-based): chr19:38,510,740, C>A. VCF-style: chr19-38510740-C-A. GRCh37 (hg19) VCF-style: chr19-39001380-C-A.
Other names: c.9081C>A, p.Ser3027Arg (NM_001042723.2); short protein forms S3027R.
Identifiers: ClinVar variation 3385491 (VCV003385491.1).
Genomic context (GRCh38, chr19:38,510,740, plus strand): 5'-CCAGTACTTCACCAACCACTGCCTCTATTTCTTGTCCACTCCGGCTAAAGTGCTGGGCAG[C>A]GGTGGCCACGCCTCTAACAAGGAGAAGGAAATGATCACCAGGTGGGCCGCCTGTGACCCT-3'
Protein context (NP_000531.2, residues 3017-3037): FLSTPAKVLG[Ser3027Arg]GGHASNKEKE